The following is an entry in ClinVar:

NM_022454.4(SOX17):c.1095G>T (p.Gln365His)

Gene: SOX17 (SRY-box transcription factor 17; plus strand). Cytogenetic location: 8q11.23.
Variant type: single nucleotide variant.
Coding change: c.1095G>T on transcript NM_022454.4 (MANE Select); coding-DNA position 1095, G replaced by T.
Protein change: p.Gln365His; replaces glutamine 365 with histidine.
Molecular consequence: missense variant.
Genome position (GRCh38, 1-based): chr8:54,459,845, G>T. VCF-style: chr8-54459845-G-T. GRCh37 (hg19) VCF-style: chr8-55372405-G-T.
Other names: short protein forms Q365H.
Identifiers: ClinVar variation 4771373 (VCV004771373.1).

ClinVar aggregate classification (germline): Uncertain significance (1 of 4 stars; one submission).

Submission:

Labcorp Genetics (formerly Invitae), Labcorp
Classification: Uncertain significance. Last evaluated: 2025-05-12. Review status: criteria provided, single submitter. Criteria: Invitae Variant Classification Sherloc (09022015). Collection method: clinical testing. Allele origin: germline.
Comment: This sequence change replaces glutamine, which is neutral and polar, with histidine, which is basic and polar, at codon 365 of the SOX17 protein (p.Gln365His). This variant is not present in population databases (gnomAD no frequency). This variant has not been reported in the literature in individuals affected with SOX17-related conditions. An algorithm developed to predict the effect of missense changes on protein structure and function (PolyPhen-2) suggests that this variant is likely to be disruptive. In summary, the available evidence is currently insufficient to determine the role of this variant in disease. Therefore, it has been classified as a Variant of Uncertain Significance.